The following is an entry in ClinVar:

ClinVar aggregate classification (germline): Uncertain significance. Review status: criteria provided, multiple submitters, no conflicts (2 of 4 stars). 2 submissions from 2 submitters: Uncertain significance (2). Last evaluated 2025-11-25.

Conditions:
Erythrocytosis, familial, 3 (ECYT3). Identifiers: Orphanet 247511, MedGen C1853286, MONDO:0012353, OMIM 609820.

Submissions (2):

Ambry Genetics
Classification: Uncertain significance. Last evaluated: 2025-11-25. Review status: criteria provided, single submitter. Criteria: Ambry Variant Classification Scheme 2023. Collection method: clinical testing. Allele origin: germline.
Comment: The c.366_389del24 variant (also known as p.A124_A131del) is located in coding exon 1 of the EGLN1 gene. This variant results from an in-frame GGCCGCGTCGCCGTGTCGTGCGGC deletion at nucleotide positions 366 to 389. This results in the in-frame deletion of 8 residues (ASPCRAAA) between codons 124 and 131. This amino acid region is generally not well conserved in available vertebrate species. The evidence for this gene-disease relationship is limited; therefore, the clinical significance of this alteration is unclear.

Labcorp Genetics (formerly Invitae), Labcorp
Classification: Uncertain significance for Erythrocytosis, familial, 3. Last evaluated: 2024-04-13. Review status: criteria provided, single submitter. Criteria: Invitae Variant Classification Sherloc (09022015). Collection method: clinical testing. Allele origin: germline.
Comment: This variant, c.366_389del, results in the deletion of 8 amino acid(s) of the EGLN1 protein (p.Ala124_Ala131del), but otherwise preserves the integrity of the reading frame. This variant is not present in population databases (gnomAD no frequency). This variant has not been reported in the literature in individuals affected with EGLN1-related conditions. ClinVar contains an entry for this variant (Variation ID: 1916082). Experimental studies and prediction algorithms are not available or were not evaluated, and the functional significance of this variant is currently unknown. In summary, the available evidence is currently insufficient to determine the role of this variant in disease. Therefore, it has been classified as a Variant of Uncertain Significance.

NM_022051.3(EGLN1):c.366_389del (p.Ala124_Ala131del)

Gene: EGLN1 (egl-9 family hypoxia inducible factor 1; minus strand). Cytogenetic location: 1q42.2.
Variant type: Deletion.
Coding change: c.366_389del on transcript NM_022051.3 (MANE Select); coding-DNA positions 366 to 389, 24 bases deleted (GGCCGCGTCGCCGTGTCGTGCGGC).
Protein change: p.Ala124_Ala131del.
Molecular consequence: inframe deletion.
Genome position (GRCh38, 1-based): chr1:231,421,500-231,421,523, GCCGCACGACACGGCGACGCGGCC deleted on the plus strand (GGCCGCGTCGCCGTGTCGTGCGGC on the coding strand, the reverse complement: EGLN1 is on the minus strand); deleting any 24 consecutive bases within chr1:231,421,500-231,421,528 gives the same sequence; the c. name uses the placement nearest the transcript's 3' end. VCF-style (leftmost placement, unchanged base first): chr1-231421499-GGCCGCACGACACGGCGACGCGGCC-G. GRCh37 (hg19) VCF-style: chr1-231557245-GGCCGCACGACACGGCGACGCGGCC-G.
Other names: c.366_389del, p.Ala124_Ala131del (NM_001377260.1, NM_001377261.1); c.366_389del24 (NM_022051.2).
Identifiers: ClinVar variation 1916082 (VCV001916082.6), dbSNP rs1470968362, ClinGen allele CA732760030.